The following is an entry in ClinVar:

NM_001145715.3(KPNA7):c.1099G>A (p.Asp367Asn)

Gene: KPNA7 (karyopherin subunit alpha 7; minus strand). Cytogenetic location: 7q22.1.
Variant type: single nucleotide variant.
Coding change: c.1099G>A on transcript NM_001145715.3 (MANE Select); coding-DNA position 1099, G replaced by A.
Protein change: p.Asp367Asn; replaces aspartic acid 367 with asparagine.
Molecular consequence: missense variant.
Genome position (GRCh38, 1-based): chr7:99,184,964, C>T on the plus strand (G>A on the coding strand, the complement: KPNA7 is on the minus strand). VCF-style: chr7-99184964-C-T. GRCh37 (hg19) VCF-style: chr7-98782587-C-T.
Other names: short protein forms D367N.
Identifiers: ClinVar variation 1379836 (VCV001379836.5), dbSNP rs189459767, ClinGen allele CA163745347.
Genomic context (GRCh38, chr7:99,184,964, plus strand): 5'-CATGGTTGCTGTGTGCGCCACTTACGTTTTTTAGCAGAGCCACCAAGGGAGGCAAGACGT[C>T]GTAGGCAAGCAGCTGCTGGATGTGGTGACAAGGCCCCGCTGCTACGTTGCTCAGGGCCCA-3'
Protein context (NP_001139187.1, residues 357-377): CHHIQQLLAY[Asp367Asn]VLPPLVALLK

ClinVar aggregate classification (germline): Uncertain significance (1 of 4 stars; one submission).

Allele frequency attached by ClinVar (database versions not stated): gnomAD exomes 0.00001; TOPMed 0.00001; 1000 Genomes Project 30x 0.00016; 1000 Genomes Project 0.00020.
gnomAD v4.1: 24 of 1,552,052 alleles (0.0015%); highest among the groups gnomAD compares: African/African-American, 0.011%; no homozygotes.

Submission:

Labcorp Genetics (formerly Invitae), Labcorp
Classification: Uncertain significance. Last evaluated: 2022-07-15. Review status: criteria provided, single submitter. Criteria: Invitae Variant Classification Sherloc (09022015). Collection method: clinical testing. Allele origin: germline.
Comment: This sequence change replaces aspartic acid, which is acidic and polar, with asparagine, which is neutral and polar, at codon 367 of the KPNA7 protein (p.Asp367Asn). This variant is not present in population databases (gnomAD no frequency). This variant has not been reported in the literature in individuals affected with KPNA7-related conditions. ClinVar contains an entry for this variant (Variation ID: 1379836). Algorithms developed to predict the effect of missense changes on protein structure and function output the following: SIFT: "Tolerated"; PolyPhen-2: "Benign"; Align-GVGD: "Class C0". The asparagine amino acid residue is found in multiple mammalian species, which suggests that this missense change does not adversely affect protein function. In summary, the available evidence is currently insufficient to determine the role of this variant in disease. Therefore, it has been classified as a Variant of Uncertain Significance.